The following is an entry in ClinVar:

ClinVar aggregate classification (germline): Uncertain significance (1 of 4 stars; one submission).

Allele frequency attached by ClinVar (database versions not stated): TOPMed below 0.00001; gnomAD exomes 0.00001; ExAC 0.00002.
gnomAD v4.1: 8 of 1,613,940 alleles (0.0005%); highest among the groups gnomAD compares: South Asian, 0.0022%; no homozygotes.

Submission:

Labcorp Genetics (formerly Invitae), Labcorp
Classification: Uncertain significance. Last evaluated: 2022-04-23. Review status: criteria provided, single submitter. Criteria: Invitae Variant Classification Sherloc (09022015). Collection method: clinical testing. Allele origin: germline.
Comment: In summary, the available evidence is currently insufficient to determine the role of this variant in disease. Therefore, it has been classified as a Variant of Uncertain Significance. Algorithms developed to predict the effect of missense changes on protein structure and function are either unavailable or do not agree on the potential impact of this missense change (SIFT: "Tolerated"; PolyPhen-2: "Probably Damaging"; Align-GVGD: "Class C0"). This variant has not been reported in the literature in individuals affected with ATP6V0A4-related conditions. This variant is present in population databases (rs755337830, gnomAD 0.009%). This sequence change replaces proline, which is neutral and non-polar, with leucine, which is neutral and non-polar, at codon 395 of the ATP6V0A4 protein (p.Pro395Leu).

NM_020632.3(ATP6V0A4):c.1184C>T (p.Pro395Leu)

Gene: ATP6V0A4 (ATPase H+ transporting V0 subunit a4; minus strand). Cytogenetic location: 7q34.
Variant type: single nucleotide variant.
Coding change: c.1184C>T on transcript NM_020632.3 (MANE Select); coding-DNA position 1184, C replaced by T.
Protein change: p.Pro395Leu; replaces proline 395 with leucine.
Molecular consequence: missense variant.
Genome position (GRCh38, 1-based): chr7:138,747,561, G>A on the plus strand (C>T on the coding strand, the complement: ATP6V0A4 is on the minus strand). VCF-style: chr7-138747561-G-A. GRCh37 (hg19) VCF-style: chr7-138432306-G-A.
Other names: c.1184C>T, p.Pro395Leu (NM_130840.3, NM_130841.3); short protein forms P395L.
Identifiers: ClinVar variation 1898714 (VCV001898714.5), dbSNP rs755337830, ClinGen allele CA4504853.
Genomic context (GRCh38, chr7:138,747,561, plus strand): 5'-CCATGACCACAGTCTCCAAACATCACAGCGAACAGGAAGGGGAAAGTGATGATGGTGTAG[G>A]GGGCTGCGGAGGGGAGACACACAACGCCTGAGGCCTCAGCACAGCCTCGGGGCCCCCACC-3'
Protein context (NP_065683.2, residues 385-405): VGSYREINPA[Pro395Leu]YTIITFPFLF